The following is an entry in ClinVar:

ClinVar aggregate classification (germline): Uncertain significance (1 of 4 stars; one submission).

Conditions:
Hereditary cancer-predisposing syndrome. Also called: Hereditary Cancer Syndrome; Hereditary neoplastic syndrome; Tumor predisposition; Neoplastic Syndromes, Hereditary. Identifiers: Orphanet 140162, MedGen C0027672, MeSH D009386, MONDO:0015356.
Cardiovascular phenotype. Identifiers: MedGen CN230736.

Submission:

Ambry Genetics
Classification: Uncertain significance for Cardiovascular phenotype; Hereditary cancer-predisposing syndrome. Last evaluated: 2022-09-23. Review status: criteria provided, single submitter. Criteria: Ambry Variant Classification Scheme 2023. Collection method: clinical testing. Allele origin: germline.
Comment: The c.2409dupC variant, located in coding exon 21 of the LZTR1 gene, results from a duplication of C at nucleotide position 2409, causing a translational frameshift with a predicted alternate stop codon (p.S804Lfs*47). This alteration occurs at the 3' terminus of the LZTR1 gene, is not expected to trigger nonsense-mediated mRNAdecay and results in the elongation of the protein by 9 amino acids. This frameshift impacts the last 37 amino acids of the native protein. The exact functional effect of the altered amino acids is unknown. Since supporting evidence is limited at this time, the clinical significance of this alteration remains unclear.

NM_006767.4(LZTR1):c.2409dup (p.Ser804fs)

Gene: LZTR1 (leucine zipper like post translational regulator 1; plus strand). Cytogenetic location: 22q11.21.
Variant type: Duplication.
Coding change: c.2409dup on transcript NM_006767.4 (MANE Select); coding-DNA position 2409, one base duplicated (C; older notation c.2409dupC).
Protein change: p.Ser804fs; shifts the reading frame from serine 804.
Molecular consequence: frameshift variant.
Genome position (GRCh38, 1-based): chr22:20,997,234, C duplicated. VCF-style (leftmost placement, unchanged base first): chr22-20997233-T-TC. GRCh37 (hg19) VCF-style: chr22-21351522-T-TC.
Other names: short protein forms S804fs.
Identifiers: ClinVar variation 1790842 (VCV001790842.2), dbSNP rs2518626596, ClinGen allele CA2580099337.
Genomic context (GRCh38, chr22:20,997,233, plus strand): 5'-CCCACCATGGCCCTTAGGTGGATCTGGTCCCATCTCCTTCCGGCCTGCTTGCCTTACAGG[T>TC]CTCCAAGTTGCCCACCCTGCGGTCGCTGAGCCAGCAGCTGCTGCTGGACATCATAGACTC-3'